The following is an entry in ClinVar:

NM_198578.4(LRRK2):c.4639G>C (p.Val1547Leu)

Gene: LRRK2 (leucine rich repeat kinase 2; plus strand). Cytogenetic location: 12q12.
Variant type: single nucleotide variant.
Coding change: c.4639G>C on transcript NM_198578.4 (MANE Select); coding-DNA position 4639, G replaced by C.
Protein change: p.Val1547Leu; replaces valine 1547 with leucine.
Molecular consequence: missense variant.
Genome position (GRCh38, 1-based): chr12:40,314,074, G>C. VCF-style: chr12-40314074-G-C. GRCh37 (hg19) VCF-style: chr12-40707876-G-C.
Other names: short protein forms V1547L.
Identifiers: ClinVar variation 3540677 (VCV003540677.1).

ClinVar aggregate classification (germline): Uncertain significance (1 of 4 stars; one submission).

Conditions:
Inborn genetic diseases. Identifiers: MedGen C0950123, MeSH D030342.

Submission:

Ambry Genetics
Classification: Uncertain significance for Inborn genetic diseases. Last evaluated: 2024-09-13. Review status: criteria provided, single submitter. Criteria: Ambry Variant Classification Scheme 2023. Collection method: clinical testing. Allele origin: germline.
Comment: The p.V1547L variant (also known as c.4639G>C), located in coding exon 32 of the LRRK2 gene, results from a G to C substitution at nucleotide position 4639. The valine at codon 1547 is replaced by leucine, an amino acid with highly similar properties. This amino acid position is conserved. In addition, the in silico prediction for this alteration is inconclusive. Based on the available evidence, the clinical significance of this variant remains unclear.